The following is an entry in ClinVar:

NM_001378030.1(CCDC78):c.913G>T (p.Asp305Tyr)

Gene: CCDC78 (coiled-coil domain containing 78; minus strand). Cytogenetic location: 16p13.3.
Variant type: single nucleotide variant.
Coding change: c.913G>T on transcript NM_001378030.1 (MANE Select); coding-DNA position 913, G replaced by T.
Protein change: p.Asp305Tyr; replaces aspartic acid 305 with tyrosine.
Molecular consequence: missense variant. On other transcripts: non-coding transcript variant (5).
Genome position (GRCh38, 1-based): chr16:724,362, C>A on the plus strand (G>T on the coding strand, the complement: CCDC78 is on the minus strand). VCF-style: chr16-724362-C-A. GRCh37 (hg19) VCF-style: chr16-774362-C-A.
Other names: c.913G>T, p.Asp305Tyr (NM_001031737.3, NM_001378031.1); c.346G>T, p.Asp116Tyr (NM_001378033.1); short protein forms D116Y, D305Y.
Identifiers: ClinVar variation 1909222 (VCV001909222.5), dbSNP rs1353119618, ClinGen allele CA394100129.

ClinVar aggregate classification (germline): Uncertain significance (1 of 4 stars; one submission).

Conditions:
Congenital myopathy with internal nuclei and atypical cores. Also called: Myopathy, centronuclear, 4. Identifiers: Orphanet 319160, MedGen C4707232, MONDO:0013890, OMIM 614807.

gnomAD v4.1: 3 of 1,612,378 alleles (0.00019%); highest among the groups gnomAD compares: African/African-American, 0.0013%; no homozygotes.

Submission:

Labcorp Genetics (formerly Invitae), Labcorp
Classification: Uncertain significance for Congenital myopathy with internal nuclei and atypical cores. Last evaluated: 2024-10-03. Review status: criteria provided, single submitter. Criteria: Invitae Variant Classification Sherloc (09022015). Collection method: clinical testing. Allele origin: germline.
Comment: This sequence change replaces aspartic acid, which is acidic and polar, with tyrosine, which is neutral and polar, at codon 305 of the CCDC78 protein (p.Asp305Tyr). This variant is not present in population databases (gnomAD no frequency). This variant has not been reported in the literature in individuals affected with CCDC78-related conditions. ClinVar contains an entry for this variant (Variation ID: 1909222). Invitae Evidence Modeling of protein sequence and biophysical properties (such as structural, functional, and spatial information, amino acid conservation, physicochemical variation, residue mobility, and thermodynamic stability) has been performed for this missense variant. However, the output from this modeling did not meet the statistical confidence thresholds required to predict the impact of this variant on CCDC78 protein function. In summary, the available evidence is currently insufficient to determine the role of this variant in disease. Therefore, it has been classified as a Variant of Uncertain Significance.